The following is an entry in ClinVar:

ClinVar aggregate classification (germline): Pathogenic (1 of 4 stars; one submission).

Submission:

Labcorp Genetics (formerly Invitae), Labcorp
Classification: Pathogenic. Last evaluated: 2022-11-04. Review status: criteria provided, single submitter. Criteria: Invitae Variant Classification Sherloc (09022015). Collection method: clinical testing. Allele origin: unknown.
Comment: For these reasons, this variant has been classified as Pathogenic. This variant has not been reported in the literature in individuals affected with PCDH15-related conditions. This variant is a gross deletion of the genomic region encompassing exon(s) 4-6 of the PCDH15 gene. This deletion is out-of-frame, and is expected to create a premature termination codon and result in an absent or disrupted protein product. Loss-of-function variants in PCDH15 are known to be pathogenic (PMID: 11398101, 11487575, 14570705).

Literature cited by the submitters: PubMed 11398101; PubMed 11487575; PubMed 14570705.

NC_000010.10:g.(?_56106115)_(56138712_?)del

Gene: PCDH15 (protocadherin related 15; minus strand). Cytogenetic location: 10q21.1.
Variant type: Deletion.
Identifiers: ClinVar variation 3245028 (VCV003245028.1).